The following is an entry in ClinVar:

ClinVar aggregate classification (germline): Conflicting classifications of pathogenicity. Review status: criteria provided, conflicting classifications (1 of 4 stars). 4 submissions from 4 submitters: Uncertain significance (3); Likely benign (1). Last evaluated 2026-04-14.

Conditions:
Hereditary cancer-predisposing syndrome. Also called: Neoplastic Syndromes, Hereditary; Hereditary Cancer Syndrome; Tumor predisposition; Hereditary neoplastic syndrome. Identifiers: Orphanet 140162, MedGen C0027672, MeSH D009386, MONDO:0015356.
Tuberous sclerosis 1 (TSC1). Identifiers: Orphanet 805, MedGen C1854465, MONDO:0008612, OMIM 191100.
Tuberous sclerosis syndrome (TSC). Also called: Tuberous Sclerosis Complex; Tuberous sclerosis. Identifiers: Orphanet 805, MedGen C0041341, MONDO:0001734.

Allele frequency attached by ClinVar (database versions not stated): gnomAD exomes below 0.00001.
gnomAD v4.1: 2 of 1,613,928 alleles (0.00012%); highest among the groups gnomAD compares: Non-Finnish European, 0.00017%; no homozygotes.

Submissions (4):

Ambry Genetics
Classification: Likely benign for Hereditary cancer-predisposing syndrome. Last evaluated: 2026-04-14. Review status: criteria provided, single submitter. Criteria: Ambry Variant Classification Scheme 2023. Collection method: clinical testing. Allele origin: germline.

Labcorp Genetics (formerly Invitae), Labcorp
Classification: Uncertain significance for Tuberous sclerosis 1. Last evaluated: 2025-02-04. Review status: criteria provided, single submitter. Criteria: Invitae Variant Classification Sherloc (09022015). Collection method: clinical testing. Allele origin: germline.
Comment: This sequence change replaces proline, which is neutral and non-polar, with alanine, which is neutral and non-polar, at codon 447 of the TSC1 protein (p.Pro447Ala). This variant is not present in population databases (gnomAD no frequency). This variant has not been reported in the literature in individuals affected with TSC1-related conditions. ClinVar contains an entry for this variant (Variation ID: 645907). Invitae Evidence Modeling of protein sequence and biophysical properties (such as structural, functional, and spatial information, amino acid conservation, physicochemical variation, residue mobility, and thermodynamic stability) indicates that this missense variant is not expected to disrupt TSC1 protein function with a negative predictive value of 95%. In summary, the available evidence is currently insufficient to determine the role of this variant in disease. Therefore, it has been classified as a Variant of Uncertain Significance.

All of Us Research Program, National Institutes of Health
Classification: Uncertain significance for Tuberous sclerosis syndrome. Last evaluated: 2023-06-26. Review status: criteria provided, single submitter. Criteria: ACMG Guidelines, 2015. Collection method: clinical testing. Allele origin: germline. Inheritance: Autosomal dominant inheritance. Observed: 1 variant allele, 1 heterozygote.
Comment: This missense variant replaces proline with alanine at codon 447 of the TSC1 protein. Computational prediction suggests that this variant may not impact protein structure and function (internally defined REVEL score threshold <= 0.5, PMID: 27666373). To our knowledge, functional studies have not been reported for this variant. This variant has not been reported in individuals affected with TSC1-related disorders in the literature. This variant has not been identified in the general population by the Genome Aggregation Database (gnomAD). The available evidence is insufficient to determine the role of this variant in disease conclusively. Therefore, this variant is classified as a Variant of Uncertain Significance.

This study involves interpretation of variants in research participants for the purpose of population health screening. Participant phenotype was not available at the time of variant classification. Additional details can be found in publication PMID: 35346344, PMCID: PMC8962531

CeGaT Center for Human Genetics Tuebingen
Classification: Uncertain significance. Last evaluated: 2022-11-01. Review status: criteria provided, single submitter. Criteria: CeGaT Center For Human Genetics Tuebingen Variant Classification Criteria Version 2. Collection method: clinical testing. Allele origin: germline. Affected: yes. Observed: 1 variant allele.
Comment: TSC1: PM2, BP4

NM_000368.5(TSC1):c.1339C>G (p.Pro447Ala)

Gene: TSC1 (TSC complex subunit 1; minus strand). Cytogenetic location: 9q34.13.
Variant type: single nucleotide variant.
Coding change: c.1339C>G on transcript NM_000368.5 (MANE Select); coding-DNA position 1339, C replaced by G.
Protein change: p.Pro447Ala; replaces proline 447 with alanine.
Molecular consequence: missense variant.
Genome position (GRCh38, 1-based): chr9:132,906,830, G>C on the plus strand (C>G on the coding strand, the complement: TSC1 is on the minus strand). VCF-style: chr9-132906830-G-C. GRCh37 (hg19) VCF-style: chr9-135782217-G-C.
Other names: c.1336C>G, p.Pro446Ala (NM_001162426.2); c.1186C>G, p.Pro396Ala (NM_001162427.2); c.976C>G, p.Pro326Ala (NM_001362177.2); short protein forms P396A, P326A, P446A, P447A.
Identifiers: ClinVar variation 645907 (VCV000645907.36), dbSNP rs1588313030, ClinGen allele CA375366049.